The following is an entry in ClinVar:

NM_032242.4(PLXNA1):c.2603del (p.Lys868fs)

Gene: PLXNA1 (plexin A1; plus strand). Cytogenetic location: 3q21.3.
Variant type: Deletion.
Coding change: c.2603del on transcript NM_032242.4 (MANE Select); coding-DNA position 2603, one base deleted (A; older notation c.2603delA).
Protein change: p.Lys868fs; shifts the reading frame from lysine 868.
Molecular consequence: frameshift variant.
Genome position (GRCh38, 1-based): chr3:127,014,374, A deleted; the last of 2 consecutive A bases (chr3:127,014,373-127,014,374); deleting either gives the same sequence. VCF-style (leftmost placement, unchanged base first): chr3-127014372-CA-C. GRCh37 (hg19) VCF-style: chr3-126733215-CA-C.
Other names: short protein forms K868fs.
Identifiers: ClinVar variation 4993890 (VCV004993890.1).
Genomic context (GRCh38, chr3:127,014,372, plus strand): 5'-ACCTGCATCGTGGATGCACGCGCGTCACGGCAGCAGTCGCTGCACCGACCCCAAGATCCT[CA>C]AGGTAGGGCCCCCAGCCCTGCCCCCACACCCCATGCCCCGCCCTGCACCACCGCACACCC-3'

ClinVar aggregate classification (germline): Uncertain significance (1 of 4 stars; one submission).

Conditions:
PLXNA1-related disorder. Also called: PLXNA1-related condition.

Submission:

PreventionGenetics, part of Exact Sciences
Classification: Uncertain significance for PLXNA1-related condition. Last evaluated: 2025-11-12. Review status: criteria provided, single submitter. Criteria: ACMG Guidelines, 2015. Collection method: clinical testing. Allele origin: germline.
Comment: The PLXNA1 c.2603delA variant is predicted to result in a frameshift and premature protein termination (p.Lys868Serfs*92). To our knowledge, this variant has not been reported in the literature or in a large population database (gnomAD), indicating this variant is rare. Loss of function is not a well established mechanism of PLXNA1-related disease. Although we suspect that this variant may be pathogenic, at this time, the clinical significance of this variant is uncertain due to the absence of conclusive functional and genetic evidence.